The following is an entry in ClinVar:

NM_001036.6(RYR3):c.4665G>A (p.Met1555Ile)

Gene: RYR3 (ryanodine receptor 3; plus strand). Cytogenetic location: 15q14.
Variant type: single nucleotide variant.
Coding change: c.4665G>A on transcript NM_001036.6 (MANE Select); coding-DNA position 4665, G replaced by A.
Protein change: p.Met1555Ile; replaces methionine 1555 with isoleucine.
Molecular consequence: missense variant.
Genome position (GRCh38, 1-based): chr15:33,662,195, G>A. VCF-style: chr15-33662195-G-A. GRCh37 (hg19) VCF-style: chr15-33954396-G-A.
Other names: c.4665G>A (NM_001036.3); c.4665G>A, p.Met1555Ile (NM_001243996.4); short protein forms M1555I.
Identifiers: ClinVar variation 1040372 (VCV001040372.9), dbSNP rs200404286, ClinGen allele CA7459082.
Genomic context (GRCh38, chr15:33,662,195, plus strand): 5'-TGCTCGTCCTGTCCTCAGGTGTGTGGATATCCTGGAGCTCTGTGAGCAGGAGGACCTGAT[G>A]CGGTTCCATTACCACACGCTGAGGCTCTACAGCGCGGTGTGCGCCCTGGGAAACAGCCGC-3'
Protein context (NP_001027.3, residues 1545-1565): ILELCEQEDL[Met1555Ile]RFHYHTLRLY

ClinVar aggregate classification (germline): Uncertain significance. Review status: criteria provided, multiple submitters, no conflicts (2 of 4 stars). 2 submissions from 2 submitters: Uncertain significance (2). Last evaluated 2023-05-22.

Conditions:
Epileptic encephalopathy. Identifiers: MedGen C0543888, HP:0200134.

Allele frequency attached by ClinVar (database versions not stated): gnomAD exomes 0.00009 and 0.00029; ExAC 0.00012; TOPMed 0.00015; gnomAD 0.00017 and 0.00018; ESP Exome Variant Server 0.00024.

Submissions (2):

Labcorp Genetics (formerly Invitae), Labcorp
Classification: Uncertain significance for Epileptic encephalopathy. Last evaluated: 2023-05-22. Review status: criteria provided, single submitter. Criteria: Invitae Variant Classification Sherloc (09022015). Collection method: clinical testing. Allele origin: germline.
Comment: Advanced modeling of protein sequence and biophysical properties (such as structural, functional, and spatial information, amino acid conservation, physicochemical variation, residue mobility, and thermodynamic stability) has been performed at Invitae for this missense variant, however the output from this modeling did not meet the statistical confidence thresholds required to predict the impact of this variant on RYR3 protein function. In summary, the available evidence is currently insufficient to determine the role of this variant in disease. Therefore, it has been classified as a Variant of Uncertain Significance. ClinVar contains an entry for this variant (Variation ID: 1040372). This sequence change replaces methionine, which is neutral and non-polar, with isoleucine, which is neutral and non-polar, at codon 1555 of the RYR3 protein (p.Met1555Ile). This variant is present in population databases (rs200404286, gnomAD 0.02%). This variant has not been reported in the literature in individuals affected with RYR3-related conditions.

Ambry Genetics
Classification: Uncertain significance. Last evaluated: 2021-06-18. Review status: criteria provided, single submitter. Criteria: Ambry Variant Classification Scheme 2023. Collection method: clinical testing. Allele origin: germline.